The following is an entry in ClinVar:

NM_006231.4(POLE):c.2166G>A (p.Arg722=)

Gene: POLE (DNA polymerase epsilon, catalytic subunit; minus strand). Cytogenetic location: 12q24.33.
Variant type: single nucleotide variant.
Coding change: c.2166G>A on transcript NM_006231.4 (MANE Select); coding-DNA position 2166, G replaced by A.
Protein change: p.Arg722=; no amino-acid change (arginine 722 retained).
Molecular consequence: synonymous variant.
Genome position (GRCh38, 1-based): chr12:132,668,363, C>T on the plus strand (G>A on the coding strand, the complement: POLE is on the minus strand). VCF-style: chr12-132668363-C-T. GRCh37 (hg19) VCF-style: chr12-133244949-C-T.
Identifiers: ClinVar variation 1197832 (VCV001197832.6), dbSNP rs1218032839, ClinGen allele CA482722099.
Genomic context (GRCh38, chr12:132,668,363, plus strand): 5'-AAGTGGGAGCAGGAGCCACATCTTTACAGCCGTGACCATGCCCAGGCACTCACCCGCCAG[C>T]CTTCTCTTCTCGTATTTCGCCTGTTCCTCGCGGGACAGTTCATGAAAGGCCCGAGCTGGC-3'
Protein context (NP_006222.2, residues 712-732): REEQAKYEKR[Arg722=]LADYCRKAYK

ClinVar aggregate classification (germline): Likely benign. Review status: criteria provided, multiple submitters, no conflicts (2 of 4 stars). 3 submissions from 3 submitters: Likely benign (3). Last evaluated 2025-04-19.

Conditions:
Hereditary cancer-predisposing syndrome. Also called: Neoplastic Syndromes, Hereditary; Hereditary neoplastic syndrome; Hereditary Cancer Syndrome; Tumor predisposition. Identifiers: Orphanet 140162, MedGen C0027672, MeSH D009386, MONDO:0015356.

Allele frequency attached by ClinVar (database versions not stated): gnomAD exomes below 0.00001.
gnomAD v4.1: 1 of 1,574,716 alleles (0.000064%); highest among the groups gnomAD compares: Admixed American, 0.0018%; no homozygotes.

Submissions (3):

Ambry Genetics
Classification: Likely benign for Hereditary cancer-predisposing syndrome. Last evaluated: 2025-04-19. Review status: criteria provided, single submitter. Criteria: Ambry Variant Classification Scheme 2023. Collection method: clinical testing. Allele origin: germline.

Labcorp Genetics (formerly Invitae), Labcorp
Classification: Likely benign. Last evaluated: 2023-08-01. Review status: criteria provided, single submitter. Criteria: Invitae Variant Classification Sherloc (09022015). Collection method: clinical testing. Allele origin: germline.

GeneDx
Classification: Likely benign. Last evaluated: 2019-12-04. Review status: criteria provided, single submitter. Criteria: GeneDx Variant Classification Process June 2021. Collection method: clinical testing. Allele origin: germline. Affected: yes.
Comment: This variant is associated with the following publications: (PMID: 27149842)